The following is an entry in ClinVar:

ClinVar aggregate classification (germline): Conflicting classifications of pathogenicity. Review status: criteria provided, conflicting classifications (1 of 4 stars). 3 submissions from 3 submitters: Likely pathogenic (2); Uncertain significance (1). Last evaluated 2024-08-14.

Conditions:
Congenital factor VII deficiency. Identifiers: Orphanet 327, MedGen C0272320, MONDO:0009211, OMIM 227500.
Myocardial infarction, susceptibility to. Identifiers: MedGen C1832662, MONDO:0012039, OMIM 608446.

Allele frequency attached by ClinVar (database versions not stated): TOPMed 0.00001.

Submissions (3):

Mayo Clinic Laboratories, Mayo Clinic
Classification: Likely pathogenic. Last evaluated: 2024-08-14. Review status: criteria provided, single submitter. Criteria: ACMG Guidelines, 2015. Collection method: clinical testing. Allele origin: germline. Observed: 3 variant alleles.
Comment: PP3, PM2_moderate, PM3_supporting, PS4_moderate

Women's Health and Genetics/Laboratory Corporation of America, LabCorp
Classification: Uncertain significance. Last evaluated: 2024-03-22. Review status: criteria provided, single submitter. Criteria: LabCorp Variant Classification Summary - May 2015. Collection method: clinical testing. Allele origin: germline.
Comment: Variant summary: F7 c.647G>A (p.Gly216Asp) results in a non-conservative amino acid change located in the Serine proteases, trypsin domain (IPR001254) of the encoded protein sequence. Five of five in-silico tools predict a damaging effect of the variant on protein function. The variant was absent in 251212 control chromosomes (gnomAD). The available data on variant occurrences in the general population are insufficient to allow any conclusion about variant significance. c.647G>A has been reported in the literature in an individual affected with Congenital factor VII deficiency (Wulff_2000). These data do not allow any conclusion about variant significance. To our knowledge, no experimental evidence demonstrating an impact on protein function has been reported. The following publication has been ascertained in the context of this evaluation (PMID: 10862079). No submitters have cited clinical-significance assessments for this variant to ClinVar. Based on the evidence outlined above, the variant was classified as uncertain significance.

Fulgent Genetics
Classification: Likely pathogenic for Congenital factor VII deficiency; Myocardial infarction, susceptibility to. Last evaluated: 2024-03-21. Review status: criteria provided, single submitter. Criteria: ACMG Guidelines, 2015. Collection method: clinical testing. Allele origin: germline.

Literature cited by the submitters: PubMed 10862079 (cited by Mayo Clinic Laboratories, Mayo Clinic and Women's Health and Genetics/Laboratory Corporation of America, LabCorp); PubMed 11092214 (cited by Mayo Clinic Laboratories, Mayo Clinic); PubMed 32333443 (cited by Mayo Clinic Laboratories, Mayo Clinic); PubMed 37312209 (cited by Mayo Clinic Laboratories, Mayo Clinic).

NM_019616.4(F7):c.581G>A (p.Gly194Asp)

Gene: F7 (coagulation factor VII; plus strand). Cytogenetic location: 13q34.
Variant type: single nucleotide variant.
Coding change: c.581G>A on transcript NM_019616.4 (MANE Select); coding-DNA position 581, G replaced by A.
Protein change: p.Gly194Asp; replaces glycine 194 with aspartic acid.
Molecular consequence: missense variant. On other transcripts: non-coding transcript variant (1).
Genome position (GRCh38, 1-based): chr13:113,116,841, G>A. VCF-style: chr13-113116841-G-A. GRCh37 (hg19) VCF-style: chr13-113771155-G-A.
Other names: p.Gly216Asp; c.647G>A, p.Gly216Asp (NM_000131.5); c.395G>A, p.Gly132Asp (NM_001267554.2); short protein forms G132D, G194D, G216D.
Identifiers: ClinVar variation 3233808 (VCV003233808.4), dbSNP rs1438503836, ClinGen allele CA388784983.
Genomic context (GRCh38, chr13:113,116,841, plus strand): 5'-GAAAAATACCTATTCTAGAAAAAAGAAATGCCAGCAAACCCCAAGGCCGAATTGTGGGGG[G>A]CAAGGTGTGCCCCAAAGGGGAGTGTCCATGGCAGGTAAGGCTTCCCCTGGCTTCAGGATT-3'
Protein context (NP_062562.1, residues 184-204): ASKPQGRIVG[Gly194Asp]KVCPKGECPW